The following is an entry in ClinVar:

ClinVar aggregate classification (germline): Uncertain significance (1 of 4 stars; one submission).

Conditions:
BAP1-related tumor predisposition syndrome (TPDS1). Also called: TUMOR PREDISPOSITION SYNDROME 1; COMMON Syndrome; BAP1 tumor predisposition syndrome; Tumor susceptibility linked to germline BAP1 mutations. Identifiers: Orphanet 289539, MedGen C3280492, MONDO:0013692, OMIM 614327.

Submission:

Labcorp Genetics (formerly Invitae), Labcorp
Classification: Uncertain significance for BAP1-related tumor predisposition syndrome. Last evaluated: 2021-07-09. Review status: criteria provided, single submitter. Criteria: Invitae Variant Classification Sherloc (09022015). Collection method: clinical testing. Allele origin: germline.
Comment: In summary, the available evidence is currently insufficient to determine the role of this variant in disease. Therefore, it has been classified as a Variant of Uncertain Significance. Algorithms developed to predict the effect of missense changes on protein structure and function output the following: SIFT: "Tolerated"; PolyPhen-2: "Benign"; Align-GVGD: "Class C0". The threonine amino acid residue is found in multiple mammalian species, suggesting that this missense change does not adversely affect protein function. These predictions have not been confirmed by published functional studies and their clinical significance is uncertain. This variant has not been reported in the literature in individuals with BAP1-related conditions. This variant is not present in population databases (ExAC no frequency). This sequence change replaces alanine with threonine at codon 301 of the BAP1 protein (p.Ala301Thr). The alanine residue is weakly conserved and there is a small physicochemical difference between alanine and threonine.

NM_004656.4(BAP1):c.901G>A (p.Ala301Thr)

Gene: BAP1 (BRCA1 associated deubiquitinase 1; minus strand). Cytogenetic location: 3p21.1.
Variant type: single nucleotide variant.
Coding change: c.901G>A on transcript NM_004656.4 (MANE Select); coding-DNA position 901, G replaced by A.
Protein change: p.Ala301Thr; replaces alanine 301 with threonine.
Molecular consequence: missense variant.
Genome position (GRCh38, 1-based): chr3:52,405,795, C>T on the plus strand (G>A on the coding strand, the complement: BAP1 is on the minus strand). VCF-style: chr3-52405795-C-T. GRCh37 (hg19) VCF-style: chr3-52439811-C-T.
Other names: short protein forms A301T.
Identifiers: ClinVar variation 941696 (VCV000941696.7), dbSNP rs1705137243, ClinGen allele CA353106595.